The following is an entry in ClinVar:

Conditions:
Breast-ovarian cancer, familial, susceptibility to, 1 (BROVCA1). Also called: BRCA1 Hereditary Breast and Ovarian Cancer; OVARIAN CANCER, SUSCEPTIBILITY TO. Identifiers: Orphanet 145, MedGen C2676676, MONDO:0011450, OMIM 604370. Disease mechanism: loss of function.

Submission:

Brotman Baty Institute, University of Washington
No classification provided (evidence only). Condition: Breast-ovarian cancer, familial 1. Review status: no classification provided. Collection method: in vitro. Allele origin: not applicable. Functional consequence: functionally_normal.
ClinVar note: "not provided" was previously submitted as the classification for the variant. However, the classification appeared to be based only on an observation of functional data so it was converted to no classification on 2025-07-30.

NM_007294.4(BRCA1):c.-18T>A

Gene: BRCA1 (BRCA1 DNA repair associated; minus strand). Cytogenetic location: 17q21.31.
Variant type: single nucleotide variant.
Coding change: c.-18T>A on transcript NM_007294.4 (MANE Select); 18 bases upstream of the start codon, T replaced by A.
Molecular consequence: 5 prime UTR variant. On other transcripts: non-coding transcript variant (1).
Genome position (GRCh38, 1-based): chr17:43,124,114, A>T on the plus strand (T>A on the coding strand, the complement: BRCA1 is on the minus strand). VCF-style: chr17-43124114-A-T. GRCh37 (hg19) VCF-style: chr17-41276131-A-T.
Other names: c.-18T>A (NM_001407652.1, NM_001407653.1, NM_001407654.1 and 169 more transcripts); c.-275T>A (NM_001407694.1, NM_001407724.1, NM_001407727.1 and 11 more transcripts); c.-279T>A (NM_001407695.1, NM_001408465.1); c.-420T>A (NM_001407696.1); c.-304T>A (NM_001407697.1, NM_001407846.1, NM_001407920.1); c.-105T>A (NM_001407698.1, NM_001407732.1, NM_001407736.1 and 21 more transcripts); c.-278T>A (NM_001407725.1, NM_001407730.1, NM_001407734.1 and 22 more transcripts); c.-224T>A (NM_001407726.1, NM_001407751.1); and 8 more.
Identifiers: ClinVar variation 868644 (VCV000868644.3), dbSNP rs1567823580, ClinGen allele CA916081171.